The following is an entry in ClinVar:

ClinVar aggregate classification (germline): Uncertain significance. Review status: criteria provided, multiple submitters, no conflicts (2 of 4 stars). 2 submissions from 2 submitters: Uncertain significance (2). Last evaluated 2025-09-03.

Conditions:
Hereditary cancer-predisposing syndrome. Also called: Neoplastic Syndromes, Hereditary; Tumor predisposition; Hereditary Cancer Syndrome; Hereditary neoplastic syndrome. Identifiers: Orphanet 140162, MedGen C0027672, MeSH D009386, MONDO:0015356.
Familial cancer of breast. Also called: BREAST CANCER, FAMILIAL; Hereditary breast cancer; hereditary breast carcinoma. Identifiers: Orphanet 227535, MedGen C0346153, MONDO:0016419, OMIM 114480. Disease mechanism: loss of function.

Submissions (2):

Labcorp Genetics (formerly Invitae), Labcorp
Classification: Uncertain significance for Familial cancer of breast. Last evaluated: 2025-09-03. Review status: criteria provided, single submitter. Criteria: Invitae Variant Classification Sherloc (09022015). Collection method: clinical testing. Allele origin: germline.
Comment: This sequence change replaces cysteine, which is neutral and slightly polar, with glycine, which is neutral and non-polar, at codon 18 of the CHEK2 protein (p.Cys18Gly). This variant is not present in population databases (gnomAD no frequency). This variant has not been reported in the literature in individuals affected with CHEK2-related conditions. ClinVar contains an entry for this variant (Variation ID: 925738). An algorithm developed to predict the effect of missense changes on protein structure and function (PolyPhen-2) suggests that this variant is likely to be tolerated. In summary, the available evidence is currently insufficient to determine the role of this variant in disease. Therefore, it has been classified as a Variant of Uncertain Significance.

Color Diagnostics, LLC DBA Color Health
Classification: Uncertain significance for Hereditary cancer-predisposing syndrome. Last evaluated: 2024-03-07. Review status: criteria provided, single submitter. Criteria: ACMG Guidelines, 2015. Collection method: clinical testing. Allele origin: germline.
Comment: This missense variant replaces cysteine with glycine at codon 18 of the CHEK2 protein. Computational prediction suggests that this variant may not impact protein structure and function (internally defined REVEL score threshold <= 0.5, PMID: 27666373). Splice site prediction tools suggest that this variant may not impact RNA splicing. To our knowledge, functional studies have not been reported for this variant. This variant has not been reported in individuals affected with hereditary cancer in the literature. This variant has not been identified in the general population by the Genome Aggregation Database (gnomAD). The available evidence is insufficient to determine the role of this variant in disease conclusively. Therefore, this variant is classified as a Variant of Uncertain Significance.

NM_007194.4(CHEK2):c.52T>G (p.Cys18Gly)

Gene: CHEK2 (checkpoint kinase 2; minus strand). Cytogenetic location: 22q12.1.
Variant type: single nucleotide variant.
Coding change: c.52T>G on transcript NM_007194.4 (MANE Select); coding-DNA position 52, T replaced by G.
Protein change: p.Cys18Gly; replaces cysteine 18 with glycine.
Molecular consequence: missense variant.
Genome position (GRCh38, 1-based): chr22:28,734,670, A>C on the plus strand (T>G on the coding strand, the complement: CHEK2 is on the minus strand). VCF-style: chr22-28734670-A-C. GRCh37 (hg19) VCF-style: chr22-29130658-A-C.
Other names: c.52T>G, p.Cys18Gly (NM_001005735.3, NM_001349956.3, NM_145862.3); c.-726T>G (NM_001257387.3); short protein forms C18G.
Identifiers: ClinVar variation 925738 (VCV000925738.4), dbSNP rs2054336674, ClinGen allele CA411091861.
Genomic context (GRCh38, chr22:28,734,670, plus strand): 5'-TGCCCTGGGACTGTGAGGAGGAGCCTTGGGACTGGGTAACGCTGCCATGGGGCTGTGAAC[A>C]GGCACTGCTGCCATGAGACTGCTGAGCCTCAACATCCGACTCCCGAGACATCACGACCTC-3'
Protein context (NP_009125.1, residues 8-28): EAQQSHGSSA[Cys18Gly]SQPHGSVTQS